The following is an entry in ClinVar:

ClinVar aggregate classification (germline): Uncertain significance (1 of 4 stars; one submission).

Conditions:
Autosomal dominant limb-girdle muscular dystrophy type 1F (LGMDD2). Also called: Limb-girdle muscular dystrophy, type 1F; MUSCULAR DYSTROPHY, LIMB-GIRDLE, AUTOSOMAL DOMINANT 2. Identifiers: Orphanet 55595, MedGen C1842062, MONDO:0012034, OMIM 608423.

Submission:

Labcorp Genetics (formerly Invitae), Labcorp
Classification: Uncertain significance for Autosomal dominant limb-girdle muscular dystrophy type 1F. Last evaluated: 2023-02-23. Review status: criteria provided, single submitter. Criteria: Invitae Variant Classification Sherloc (09022015). Collection method: clinical testing. Allele origin: germline.
Comment: In summary, the available evidence is currently insufficient to determine the role of this variant in disease. Therefore, it has been classified as a Variant of Uncertain Significance. An algorithm developed to predict the effect of missense changes on protein structure and function (PolyPhen-2) suggests that this variant is likely to be tolerated. This variant has not been reported in the literature in individuals affected with TNPO3-related conditions. Information on the frequency of this variant in the gnomAD database is not available, as this variant may be reported differently in the database. This sequence change replaces phenylalanine, which is neutral and non-polar, with alanine, which is neutral and non-polar, at codon 175 of the TNPO3 protein (p.Phe175Ala).

NM_012470.4(TNPO3):c.523_524delinsGC (p.Phe175Ala)

Gene: TNPO3 (transportin 3; minus strand). Cytogenetic location: 7q32.1.
Variant type: Indel.
Coding change: c.523_524delinsGC on transcript NM_012470.4 (MANE Select); coding-DNA positions 523 to 524, TT replaced by GC.
Protein change: p.Phe175Ala; replaces phenylalanine 175 with alanine.
Molecular consequence: missense variant. On other transcripts: non-coding transcript variant (18).
Genome position (GRCh38, 1-based): chr7:129,015,007-129,015,008, AA replaced by GC on the plus strand (TT replaced by GC on the coding strand, the reverse complement: TNPO3 is on the minus strand). VCF-style: chr7-129015007-AA-GC. GRCh37 (hg19) VCF-style: chr7-128655061-AA-GC.
Other names: c.523_524delinsGC, p.Phe175Ala (NM_001191028.3, NM_001382216.1, NM_001382218.1 and 5 more transcripts); c.604_605delinsGC, p.Phe202Ala (NM_001382217.1); short protein forms F175A, F202A.
Identifiers: ClinVar variation 2738766 (VCV002738766.3), dbSNP rs2536397896, ClinGen allele CA2697557628.